The following is an entry in ClinVar:

NM_001127222.2(CACNA1A):c.7242C>T (p.Asp2414=)

Gene: CACNA1A (calcium voltage-gated channel subunit alpha1 A; minus strand). Cytogenetic location: 19p13.13.
Variant type: single nucleotide variant.
Coding change: c.7242C>T on transcript NM_001127222.2 (MANE Select); coding-DNA position 7242, C replaced by T.
Protein change: p.Asp2414=; no amino-acid change (aspartic acid 2414 retained).
Molecular consequence: synonymous variant. On other transcripts: 3 prime UTR variant (3).
Genome position (GRCh38, 1-based): chr19:13,207,592, G>A on the plus strand (C>T on the coding strand, the complement: CACNA1A is on the minus strand). VCF-style: chr19-13207592-G-A. GRCh37 (hg19) VCF-style: chr19-13318406-G-A.
Other names: c.*454C>T (NM_001174080.2, NM_000068.4, NM_001127221.2); c.7260C>T, p.Asp2420= (NM_023035.3).
Identifiers: ClinVar variation 2649376 (VCV002649376.24), dbSNP rs1465011866, ClinGen allele CA505784773.

ClinVar aggregate classification (germline): Likely benign (1 of 4 stars; one submission).

Allele frequency attached by ClinVar (database versions not stated): gnomAD 0.00001.
gnomAD v4.1: 2 of 1,481,954 alleles (0.00013%); highest among the groups gnomAD compares: East Asian, 0.0029%; no homozygotes.

Submission:

CeGaT Center for Human Genetics Tuebingen
Classification: Likely benign. Last evaluated: 2022-04-01. Review status: criteria provided, single submitter. Criteria: CeGaT Center For Human Genetics Tuebingen Variant Classification Criteria Version 2. Collection method: clinical testing. Allele origin: germline. Affected: yes. Observed: 1 variant allele.
Comment: CACNA1A: BP4, BP7